The following is an entry in ClinVar:

ClinVar aggregate classification (germline): Uncertain significance. Review status: criteria provided, multiple submitters, no conflicts (2 of 4 stars). 2 submissions from 2 submitters: Uncertain significance (2). Last evaluated 2025-08-12.

Conditions:
Inborn genetic diseases. Identifiers: MedGen C0950123, MeSH D030342.
Spondylocostal dysostosis 3, autosomal recessive (SCDO3). Also called: LFNG-Related Spondylocostal Dysostosis, Autosomal Recessive. Identifiers: Orphanet 2311, MedGen C1853296, MONDO:0012349, OMIM 609813.

Allele frequency attached by ClinVar (database versions not stated): gnomAD 0.00002 and 0.00003; ExAC 0.00010; TOPMed 0.00012; gnomAD exomes 0.00013; 1000 Genomes Project 30x 0.00016; 1000 Genomes Project 0.00020.
gnomAD v4.1: 76 of 1,612,470 alleles (0.0047%); highest among the groups gnomAD compares: Admixed American, 0.05%; no homozygotes.

Submissions (2):

Ambry Genetics
Classification: Uncertain significance for Inborn genetic diseases. Last evaluated: 2025-08-12. Review status: criteria provided, single submitter. Criteria: Ambry Variant Classification Scheme 2023. Collection method: clinical testing. Allele origin: germline.

Labcorp Genetics (formerly Invitae), Labcorp
Classification: Uncertain significance for Spondylocostal dysostosis 3, autosomal recessive. Last evaluated: 2024-10-07. Review status: criteria provided, single submitter. Criteria: Invitae Variant Classification Sherloc (09022015). Collection method: clinical testing. Allele origin: germline.
Comment: This sequence change replaces arginine, which is basic and polar, with glutamine, which is neutral and polar, at codon 341 of the LFNG protein (p.Arg341Gln). This variant is present in population databases (rs201290357, gnomAD 0.08%). This variant has not been reported in the literature in individuals affected with LFNG-related conditions. ClinVar contains an entry for this variant (Variation ID: 1415366). Invitae Evidence Modeling of protein sequence and biophysical properties (such as structural, functional, and spatial information, amino acid conservation, physicochemical variation, residue mobility, and thermodynamic stability) indicates that this missense variant is not expected to disrupt LFNG protein function with a negative predictive value of 80%. In summary, the available evidence is currently insufficient to determine the role of this variant in disease. Therefore, it has been classified as a Variant of Uncertain Significance.

NM_001040167.2(LFNG):c.1022G>A (p.Arg341Gln)

Gene: LFNG (LFNG O-fucosylpeptide 3-beta-N-acetylglucosaminyltransferase; plus strand). Cytogenetic location: 7p22.3.
Variant type: single nucleotide variant.
Coding change: c.1022G>A on transcript NM_001040167.2 (MANE Select); coding-DNA position 1022, G replaced by A.
Protein change: p.Arg341Gln; replaces arginine 341 with glutamine.
Molecular consequence: missense variant.
Genome position (GRCh38, 1-based): chr7:2,526,870, G>A. VCF-style: chr7-2526870-G-A. GRCh37 (hg19) VCF-style: chr7-2566504-G-A.
Other names: c.1022G>A, p.Arg341Gln (NM_001040168.2); c.809G>A, p.Arg270Gln (NM_001166355.2); c.635G>A, p.Arg212Gln (NM_002304.3); c.1022G>A (NM_001040167.1); short protein forms R270Q, R341Q, R212Q.
Identifiers: ClinVar variation 1415366 (VCV001415366.6), dbSNP rs201290357, ClinGen allele CA4127251.
Genomic context (GRCh38, chr7:2,526,870, plus strand): 5'-GGCATCACTCCGCCCGCTCCCCACAGGTGACGCTGAGCTACGGTATGTTTGAAAACAAGC[G>A]GAACGCCGTCCACGTGAAGGGGCCCTTCTCGGTGGAGGCCGACCCATCCAGGTAAGGAAA-3'
Protein context (NP_001035257.1, residues 331-351): TLSYGMFENK[Arg341Gln]NAVHVKGPFS